The following is an entry in ClinVar:

NM_024996.7(GFM1):c.607A>G (p.Ile203Val)

Gene: GFM1 (G elongation factor mitochondrial 1; plus strand). Cytogenetic location: 3q25.32.
Variant type: single nucleotide variant.
Coding change: c.607A>G on transcript NM_024996.7 (MANE Select); coding-DNA position 607, A replaced by G.
Protein change: p.Ile203Val; replaces isoleucine 203 with valine.
Molecular consequence: missense variant. On other transcripts: non-coding transcript variant (2), intron variant (3).
Genome position (GRCh38, 1-based): chr3:158,649,075, A>G. VCF-style: chr3-158649075-A-G. GRCh37 (hg19) VCF-style: chr3-158366864-A-G.
Other names: c.607A>G, p.Ile203Val (NM_001308164.2, NM_001308166.2, NM_001374355.1); c.382A>G, p.Ile128Val (NM_001374357.1); c.40A>G, p.Ile14Val (NM_001374359.1, NM_001374360.1); c.572+2128A>G (NM_001374356.1); c.6-3021A>G (NM_001374361.1); c.235-3025A>G (NM_001374358.1); short protein forms I14V, I128V, I203V.
Identifiers: ClinVar variation 930333 (VCV000930333.3), dbSNP rs1722079229, ClinGen allele CA355176256.

ClinVar aggregate classification (germline): Uncertain significance (1 of 4 stars; one submission).

Conditions:
Hepatoencephalopathy due to combined oxidative phosphorylation defect type 1. Also called: HEPATOENCEPHALOPATHY, EARLY FATAL PROGRESSIVE. Identifiers: Orphanet 137681, MedGen C1836797, MONDO:0012191, OMIM 609060.

Allele frequency attached by ClinVar (database versions not stated): gnomAD 0.00001.
gnomAD v4.1: 1 of 1,565,576 alleles (0.000064%); highest among the groups gnomAD compares: African/African-American, 0.0014%; no homozygotes.

Submission:

Centre for Mendelian Genomics, University Medical Centre Ljubljana
Classification: Uncertain significance for Hepatoencephalopathy due to combined oxidative phosphorylation defect type 1. Last evaluated: 2016-01-01. Review status: criteria provided, single submitter. Criteria: ACMG Guidelines, 2015. Collection method: clinical testing. Allele origin: unknown. Affected: yes.
Comment: This variant was classified as: Uncertain significance. The following ACMG criteria were applied in classifying this variant: PM2.